The following is an entry in ClinVar:

NM_000124.4(ERCC6):c.554T>C (p.Leu185Pro)

Gene: ERCC6 (ERCC excision repair 6, chromatin remodeling factor; minus strand). Cytogenetic location: 10q11.23.
Variant type: single nucleotide variant.
Coding change: c.554T>C on transcript NM_000124.4 (MANE Select); coding-DNA position 554, T replaced by C.
Protein change: p.Leu185Pro; replaces leucine 185 with proline.
Molecular consequence: missense variant.
Genome position (GRCh38, 1-based): chr10:49,528,515, A>G on the plus strand (T>C on the coding strand, the complement: ERCC6 is on the minus strand). VCF-style: chr10-49528515-A-G. GRCh37 (hg19) VCF-style: chr10-50736561-A-G.
Other names: c.554T>C, p.Leu185Pro (NM_001277058.2, NM_001277059.2, NM_001346440.2); short protein forms L185P.
Identifiers: ClinVar variation 3648101 (VCV003648101.2).

ClinVar aggregate classification (germline): Uncertain significance (1 of 4 stars; one submission).

gnomAD v4.1: 1 of 1,614,170 alleles (0.000062%); highest among the groups gnomAD compares: South Asian, 0.0011%; no homozygotes.

Submission:

Labcorp Genetics (formerly Invitae), Labcorp
Classification: Uncertain significance. Last evaluated: 2024-03-29. Review status: criteria provided, single submitter. Criteria: Invitae Variant Classification Sherloc (09022015). Collection method: clinical testing. Allele origin: germline.
Comment: This sequence change replaces leucine, which is neutral and non-polar, with proline, which is neutral and non-polar, at codon 185 of the ERCC6 protein (p.Leu185Pro). This variant is not present in population databases (gnomAD no frequency). This variant has not been reported in the literature in individuals affected with ERCC6-related conditions. Advanced modeling of protein sequence and biophysical properties (such as structural, functional, and spatial information, amino acid conservation, physicochemical variation, residue mobility, and thermodynamic stability) has been performed at Invitae for this missense variant, however the output from this modeling did not meet the statistical confidence thresholds required to predict the impact of this variant on ERCC6 protein function. In summary, the available evidence is currently insufficient to determine the role of this variant in disease. Therefore, it has been classified as a Variant of Uncertain Significance.